The following is an entry in ClinVar:

NM_000828.5(GRIA3):c.2408G>A (p.Gly803Glu)

Gene: GRIA3 (glutamate ionotropic receptor AMPA type subunit 3; plus strand). Cytogenetic location: Xq25.
Variant type: single nucleotide variant.
Coding change: c.2408G>A on transcript NM_000828.5 (MANE Plus Clinical); coding-DNA position 2408, G replaced by A.
Protein change: p.Gly803Glu; replaces glycine 803 with glutamic acid.
Molecular consequence: missense variant. On other transcripts: intron variant (1).
Genome position (GRCh38, 1-based): chrX:123,465,757, G>A. VCF-style: chrX-123465757-G-A. GRCh37 (hg19) VCF-style: chrX-122599608-G-A.
Other names: c.2324+645G>A (NM_007325.5); short protein forms G803E.
Identifiers: ClinVar variation 383793 (VCV000383793.4), dbSNP rs1057521729, ClinGen allele CA16609121.

ClinVar aggregate classification (germline): Likely pathogenic (1 of 4 stars; one submission).

Conditions:
GRIA3-related disorder. Also called: GRIA3-related condition.

Submission:

GeneDx
Classification: Likely pathogenic. Last evaluated: 2024-08-15. Review status: criteria provided, single submitter. Criteria: GeneDx Variant Classification Process June 2021. Collection method: clinical testing. Allele origin: germline. Affected: yes.
Comment: Not observed at significant frequency in large population cohorts (gnomAD); In silico analysis supports that this missense variant has a deleterious effect on protein structure/function; This variant is associated with the following publications: (PMID: 35982159, 33057194)